The following is an entry in ClinVar:

NM_182914.3(SYNE2):c.11462G>A (p.Ser3821Asn)

Gene: SYNE2 (spectrin repeat containing nuclear envelope protein 2; plus strand). Cytogenetic location: 14q23.2.
Variant type: single nucleotide variant.
Coding change: c.11462G>A on transcript NM_182914.3 (MANE Select); coding-DNA position 11462, G replaced by A.
Protein change: p.Ser3821Asn; replaces serine 3821 with asparagine.
Molecular consequence: missense variant.
Genome position (GRCh38, 1-based): chr14:64,081,558, G>A. VCF-style: chr14-64081558-G-A. GRCh37 (hg19) VCF-style: chr14-64548276-G-A.
Other names: c.11462G>A, p.Ser3821Asn (NM_015180.6); short protein forms S3821N.
Identifiers: ClinVar variation 470918 (VCV000470918.8), dbSNP rs1555469449, ClinGen allele CA389942887.
Genomic context (GRCh38, chr14:64,081,558, plus strand): 5'-TAGAAAATACCAGTCATTTGCTGGCCAATCCTGCTGACTATGACTCTTTGAGGACACTGA[G>A]TCACCATGCTAGCACTGTGCAGGTAAGTGTTCTTCCAGGTTTTCTGCCACTCATAGCATC-3'
Protein context (NP_878918.2, residues 3811-3831): PADYDSLRTL[Ser3821Asn]HHASTVQMAL

ClinVar aggregate classification (germline): Uncertain significance (1 of 4 stars; one submission).

Conditions:
Emery-Dreifuss muscular dystrophy 5, autosomal dominant (EDMD5). Also called: EMERY-DREIFUSS MUSCULAR DYSTROPHY 5. Identifiers: Orphanet 261, MedGen C2751805, MONDO:0013072, OMIM 612999.

Submission:

Labcorp Genetics (formerly Invitae), Labcorp
Classification: Uncertain significance for Emery-Dreifuss muscular dystrophy 5, autosomal dominant. Last evaluated: 2017-06-27. Review status: criteria provided, single submitter. Criteria: Invitae Variant Classification Sherloc (09022015). Collection method: clinical testing. Allele origin: germline.
Comment: In summary, the available evidence is currently insufficient to determine the role of this variant in disease. Therefore, it has been classified as a Variant of Uncertain Significance. This sequence change replaces serine with asparagine at codon 3821 of the SYNE2 protein (p.Ser3821Asn). The serine residue is weakly conserved and there is a small physicochemical difference between serine and asparagine. This variant is not present in population databases (ExAC no frequency). This variant has not been reported in the literature in individuals with SYNE2-related disease. Algorithms developed to predict the effect of missense changes on protein structure and function do not agree on the potential impact of this missense change (SIFT: "Tolerated"; PolyPhen-2: "Probably Damaging"; Align-GVGD: "Class C0").